The following is an entry in ClinVar:

ClinVar aggregate classification (germline): Uncertain significance. Review status: criteria provided, multiple submitters, no conflicts (2 of 4 stars). 2 submissions from 2 submitters: Uncertain significance (2). Last evaluated 2025-04-27.

Conditions:
Hereditary cancer-predisposing syndrome. Also called: Neoplastic Syndromes, Hereditary; Tumor predisposition; Hereditary Cancer Syndrome; Hereditary neoplastic syndrome. Identifiers: Orphanet 140162, MedGen C0027672, MeSH D009386, MONDO:0015356.

Submissions (2):

Labcorp Genetics (formerly Invitae), Labcorp
Classification: Uncertain significance. Last evaluated: 2025-04-27. Review status: criteria provided, single submitter. Criteria: Invitae Variant Classification Sherloc (09022015). Collection method: clinical testing. Allele origin: germline.
Comment: This sequence change replaces lysine, which is basic and polar, with glutamine, which is neutral and polar, at codon 733 of the POLE protein (p.Lys733Gln). This variant is not present in population databases (gnomAD no frequency). This variant has not been reported in the literature in individuals affected with POLE-related conditions. ClinVar contains an entry for this variant (Variation ID: 1787497). Invitae Evidence Modeling of protein sequence and biophysical properties (such as structural, functional, and spatial information, amino acid conservation, physicochemical variation, residue mobility, and thermodynamic stability) indicates that this missense variant is expected to disrupt POLE protein function with a positive predictive value of 80%. In summary, the available evidence is currently insufficient to determine the role of this variant in disease. Therefore, it has been classified as a Variant of Uncertain Significance.

Ambry Genetics
Classification: Uncertain significance for Hereditary cancer-predisposing syndrome. Last evaluated: 2022-04-30. Review status: criteria provided, single submitter. Criteria: Ambry Variant Classification Scheme 2023. Collection method: clinical testing. Allele origin: germline.
Comment: The p.K733Q variant (also known as c.2197A>C), located in coding exon 20 of the POLE gene, results from an A to C substitution at nucleotide position 2197. The lysine at codon 733 is replaced by glutamine, an amino acid with similar properties. This amino acid position is conserved. In addition, the in silico prediction for this alteration is inconclusive. Since supporting evidence is limited at this time, the clinical significance of this alteration remains unclear.

NM_006231.4(POLE):c.2197A>C (p.Lys733Gln)

Gene: POLE (DNA polymerase epsilon, catalytic subunit; minus strand). Cytogenetic location: 12q24.33.
Variant type: single nucleotide variant.
Coding change: c.2197A>C on transcript NM_006231.4 (MANE Select); coding-DNA position 2197, A replaced by C.
Protein change: p.Lys733Gln; replaces lysine 733 with glutamine.
Molecular consequence: missense variant.
Genome position (GRCh38, 1-based): chr12:132,667,625, T>G on the plus strand (A>C on the coding strand, the complement: POLE is on the minus strand). VCF-style: chr12-132667625-T-G. GRCh37 (hg19) VCF-style: chr12-133244211-T-G.
Other names: short protein forms K733Q.
Identifiers: ClinVar variation 1787497 (VCV001787497.3), dbSNP rs368153842, ClinGen allele CA387352322.